The following is an entry in ClinVar:

ClinVar aggregate classification (germline): Uncertain significance (1 of 4 stars; one submission).

Conditions:
Multiple congenital exostosis (EXT). Also called: Hereditary multiple exostoses; Hereditary multiple exostosis; Multiple exostoses; MULTIPLE CARTILAGINOUS EXOSTOSES; Multiple osteochondromas; Hereditary multiple osteochondromas. Identifiers: Orphanet 321, MedGen C0015306, MONDO:0005508, HP:0002762.

Submission:

Labcorp Genetics (formerly Invitae), Labcorp
Classification: Uncertain significance for Multiple congenital exostosis. Last evaluated: 2024-12-16. Review status: criteria provided, single submitter. Criteria: Invitae Variant Classification Sherloc (09022015). Collection method: clinical testing. Allele origin: germline.
Comment: This sequence change replaces arginine, which is basic and polar, with glycine, which is neutral and non-polar, at codon 6 of the EXT1 protein (p.Arg6Gly). This variant is not present in population databases (gnomAD no frequency). This variant has not been reported in the literature in individuals affected with EXT1-related conditions. ClinVar contains an entry for this variant (Variation ID: 2786904). Invitae Evidence Modeling of protein sequence and biophysical properties (such as structural, functional, and spatial information, amino acid conservation, physicochemical variation, residue mobility, and thermodynamic stability) indicates that this missense variant is expected to disrupt EXT1 protein function with a positive predictive value of 80%. In summary, the available evidence is currently insufficient to determine the role of this variant in disease. Therefore, it has been classified as a Variant of Uncertain Significance.

NM_000127.3(EXT1):c.16C>G (p.Arg6Gly)

Gene: EXT1 (exostosin glycosyltransferase 1; minus strand). Cytogenetic location: 8q24.11.
Variant type: single nucleotide variant.
Coding change: c.16C>G on transcript NM_000127.3 (MANE Select); coding-DNA position 16, C replaced by G.
Protein change: p.Arg6Gly; replaces arginine 6 with glycine.
Molecular consequence: missense variant.
Genome position (GRCh38, 1-based): chr8:118,111,031, G>C on the plus strand (C>G on the coding strand, the complement: EXT1 is on the minus strand). VCF-style: chr8-118111031-G-C. GRCh37 (hg19) VCF-style: chr8-119123270-G-C.
Other names: short protein forms R6G.
Identifiers: ClinVar variation 2786904 (VCV002786904.3), dbSNP rs2488053998, ClinGen allele CA371916778.